The following is an entry in ClinVar:

ClinVar aggregate classification (germline): Uncertain significance (1 of 4 stars; one submission).

Conditions:
RPGRIP1L-related disorder. Also called: RPGRIP1L-related disorders; RPGRIP1L-related condition. Identifiers: MedGen CN239416.

gnomAD v4.1: 3 of 1,614,094 alleles (0.00019%); highest among the groups gnomAD compares: Admixed American, 0.005%; no homozygotes.

Submission:

PreventionGenetics, part of Exact Sciences
Classification: Uncertain significance for RPGRIP1L-related condition. Last evaluated: 2026-09-16. Review status: criteria provided, single submitter. Criteria: ACMG Guidelines, 2015. Collection method: clinical testing. Allele origin: germline.
Comment: The RPGRIP1L c.281G>C variant is predicted to result in the amino acid substitution p.Arg94Pro. To our knowledge, this variant has not been reported in the literature. This variant is reported in 0.012% of alleles in individuals of Latino descent in gnomAD. At this time, the clinical significance of this variant is uncertain due to the absence of conclusive functional and genetic evidence.

NM_015272.5(RPGRIP1L):c.281G>C (p.Arg94Pro)

Gene: RPGRIP1L (RPGRIP1 like; minus strand). Cytogenetic location: 16q12.2.
Variant type: single nucleotide variant.
Coding change: c.281G>C on transcript NM_015272.5 (MANE Select); coding-DNA position 281, G replaced by C.
Protein change: p.Arg94Pro; replaces arginine 94 with proline.
Molecular consequence: missense variant.
Genome position (GRCh38, 1-based): chr16:53,692,314, C>G on the plus strand (G>C on the coding strand, the complement: RPGRIP1L is on the minus strand). VCF-style: chr16-53692314-C-G. GRCh37 (hg19) VCF-style: chr16-53726226-C-G.
Other names: c.281G>C, p.Arg94Pro (NM_001127897.4, NM_001308334.3, NM_001330538.2); short protein forms R94P.
Identifiers: ClinVar variation 4986300 (VCV004986300.1).